The following is an entry in ClinVar:

NM_004168.4(SDHA):c.1733C>G (p.Thr578Ser)

Gene: SDHA (succinate dehydrogenase complex flavoprotein subunit A; plus strand). Cytogenetic location: 5p15.33.
Variant type: single nucleotide variant.
Coding change: c.1733C>G on transcript NM_004168.4 (MANE Select); coding-DNA position 1733, C replaced by G.
Protein change: p.Thr578Ser; replaces threonine 578 with serine.
Molecular consequence: missense variant. On other transcripts: intron variant (1).
Genome position (GRCh38, 1-based): chr5:251,407, C>G. VCF-style: chr5-251407-C-G. GRCh37 (hg19) VCF-style: chr5-251522-C-G.
Other names: c.1589C>G, p.Thr530Ser (NM_001294332.2); c.1552-2986C>G (NM_001330758.2); short protein forms T530S, T578S.
Identifiers: ClinVar variation 1779027 (VCV001779027.2), dbSNP rs1349207461, ClinGen allele CA359000172.
Genomic context (GRCh38, chr5:251,407, plus strand): 5'-GGAACACGGACCTGGTGGAGACCCTGGAGCTGCAGAACCTGATGCTGTGTGCGCTGCAGA[C>G]CATCTACGGAGCAGAGGCACGGAAGGAGTCACGGGGCGCGCATGCCAGGGAAGACTACAA-3'
Protein context (NP_004159.2, residues 568-588): LQNLMLCALQ[Thr578Ser]IYGAEARKES

ClinVar aggregate classification (germline): Uncertain significance (1 of 4 stars; one submission).

Conditions:
Hereditary cancer-predisposing syndrome. Also called: Neoplastic Syndromes, Hereditary; Tumor predisposition; Hereditary Cancer Syndrome; Hereditary neoplastic syndrome. Identifiers: Orphanet 140162, MedGen C0027672, MeSH D009386, MONDO:0015356.

Submission:

Ambry Genetics
Classification: Uncertain significance for Hereditary cancer-predisposing syndrome. Last evaluated: 2022-10-08. Review status: criteria provided, single submitter. Criteria: Ambry Variant Classification Scheme 2023. Collection method: clinical testing. Allele origin: germline.
Comment: The p.T578S variant (also known as c.1733C>G), located in coding exon 13 of the SDHA gene, results from a C to G substitution at nucleotide position 1733. The threonine at codon 578 is replaced by serine, an amino acid with similar properties. This amino acid position is conserved. In addition, this alteration is predicted to be deleterious by in silico analysis. Since supporting evidence is limited at this time, the clinical significance of this alteration remains unclear.